The following is an entry in ClinVar:

ClinVar aggregate classification (germline): Likely benign (1 of 4 stars; one submission).

gnomAD v4.1: 8,990 of 1,600,526 alleles (0.56%); highest among the groups gnomAD compares: Non-Finnish European, 0.68%; 34 homozygotes.

Submission:

CeGaT Center for Human Genetics Tuebingen
Classification: Likely benign. Last evaluated: 2026-05-01. Review status: criteria provided, single submitter. Criteria: CeGaT Center For Human Genetics Tuebingen Variant Classification Criteria Version 2. Collection method: clinical testing. Allele origin: germline. Affected: yes. Observed: 1 variant allele.
Comment: IPCEF1: BP4, BS2; ENSG00000288520: BS2

NM_001130700.2(IPCEF1):c.452-4A>G

Genes: IPCEF1 (interaction protein for cytohesin exchange factors 1; minus strand), OPRM1 (opioid receptor mu 1; plus strand). Cytogenetic location: 6q25.2.
Variant type: single nucleotide variant.
Coding change: c.452-4A>G on transcript NM_001130700.2 (MANE Select); 4 bases into the intron before coding-DNA position 452, A replaced by G.
Molecular consequence: intron variant.
Genome position (GRCh38, 1-based): chr6:154,212,859, T>C on the plus strand (A>G on the coding strand, the complement: IPCEF1 is on the minus strand). VCF-style: chr6-154212859-T-C. GRCh37 (hg19) VCF-style: chr6-154533993-T-C.
Other names: c.1165-33834T>C (NM_001008503.3); c.449-4A>G (NM_015553.3, NM_001394802.1); c.452-4A>G (NM_001394799.1, NM_001394800.1, NM_001394801.1 and 1 more transcripts).
Identifiers: ClinVar variation 4871944 (VCV004871944.2).